The following is an entry in ClinVar:

NM_015466.4(PTPN23):c.2127C>G (p.Asp709Glu)

Gene: PTPN23 (protein tyrosine phosphatase non-receptor type 23; plus strand). Cytogenetic location: 3p21.31.
Variant type: single nucleotide variant.
Coding change: c.2127C>G on transcript NM_015466.4 (MANE Select); coding-DNA position 2127, C replaced by G.
Protein change: p.Asp709Glu; replaces aspartic acid 709 with glutamic acid.
Molecular consequence: missense variant.
Genome position (GRCh38, 1-based): chr3:47,409,832, C>G. VCF-style: chr3-47409832-C-G. GRCh37 (hg19) VCF-style: chr3-47451322-C-G.
Other names: c.1749C>G, p.Asp583Glu (NM_001304482.2); short protein forms D583E, D709E.
Identifiers: ClinVar variation 4535039 (VCV004535039.6).

ClinVar aggregate classification (germline): Uncertain significance (1 of 4 stars; one submission).

gnomAD v4.1: 1 of 1,610,170 alleles (0.000062%); highest among the groups gnomAD compares: Non-Finnish European, 0.000085%; no homozygotes.

Submission:

CeGaT Center for Human Genetics Tuebingen
Classification: Uncertain significance. Last evaluated: 2025-10-01. Review status: criteria provided, single submitter. Criteria: CeGaT Center For Human Genetics Tuebingen Variant Classification Criteria Version 2. Collection method: clinical testing. Allele origin: germline. Affected: yes. Observed: 1 variant allele.
Comment: PTPN23: PM2